The following is an entry in ClinVar:

NM_000368.5(TSC1):c.947G>A (p.Arg316Gln)

Gene: TSC1 (TSC complex subunit 1; minus strand). Cytogenetic location: 9q34.13.
Variant type: single nucleotide variant.
Coding change: c.947G>A on transcript NM_000368.5 (MANE Select); coding-DNA position 947, G replaced by A.
Protein change: p.Arg316Gln; replaces arginine 316 with glutamine.
Molecular consequence: missense variant.
Genome position (GRCh38, 1-based): chr9:132,911,535, C>T on the plus strand (G>A on the coding strand, the complement: TSC1 is on the minus strand). VCF-style: chr9-132911535-C-T. GRCh37 (hg19) VCF-style: chr9-135786922-C-T.
Other names: c.947G>A, p.Arg316Gln (NM_001162426.2); c.794G>A, p.Arg265Gln (NM_001162427.2); c.584G>A, p.Arg195Gln (NM_001362177.2); short protein forms R316Q, R265Q, R195Q.
Identifiers: ClinVar variation 287541 (VCV000287541.28), dbSNP rs375956049, ClinGen allele CA039900.

ClinVar aggregate classification (germline): Conflicting classifications of pathogenicity. Review status: criteria provided, conflicting classifications (1 of 4 stars). 9 submissions from 9 submitters: Uncertain significance (5); Likely benign (4). Last evaluated 2025-12-09.

Conditions:
Hereditary cancer-predisposing syndrome. Also called: Neoplastic Syndromes, Hereditary; Tumor predisposition; Hereditary neoplastic syndrome; Hereditary Cancer Syndrome. Identifiers: Orphanet 140162, MedGen C0027672, MeSH D009386, MONDO:0015356.
Tuberous sclerosis syndrome (TSC). Also called: Tuberous Sclerosis Complex; Tuberous sclerosis. Identifiers: Orphanet 805, MedGen C0041341, MONDO:0001734.
Tuberous sclerosis 1 (TSC1). Identifiers: Orphanet 805, MedGen C1854465, MONDO:0008612, OMIM 191100.

Allele frequency attached by ClinVar (database versions not stated): gnomAD exomes 0.00001 and 0.00002; ExAC 0.00002; TOPMed 0.00003; ESP Exome Variant Server 0.00008.
gnomAD v4.1: 12 of 1,609,118 alleles (0.00075%); highest among the groups gnomAD compares: Admixed American, 0.0034%; no homozygotes.

Submissions (9):

Labcorp Genetics (formerly Invitae), Labcorp
Classification: Likely benign for Tuberous sclerosis 1. Last evaluated: 2025-12-09. Review status: criteria provided, single submitter. Criteria: Invitae Variant Classification Sherloc (09022015). Collection method: clinical testing. Allele origin: germline.

All of Us Research Program, National Institutes of Health
Classification: Uncertain significance for Tuberous sclerosis syndrome. Last evaluated: 2024-05-30. Review status: criteria provided, single submitter. Criteria: ACMG Guidelines, 2015. Collection method: clinical testing. Allele origin: germline. Inheritance: Autosomal dominant inheritance. Observed: 5 variant alleles, 5 heterozygotes.
Comment: This missense variant replaces arginine with glutamine at codon 316 of the TSC1 protein. Computational prediction is inconclusive regarding the impact of this variant on protein structure and function (internally defined REVEL score threshold 0.5 < inconclusive < 0.7, PMID: 27666373). To our knowledge, functional studies have not been reported for this variant. This variant has not been reported in individuals affected with TSC1-related disorders in the literature. This variant has been identified in 4/251272 chromosomes in the general population by the Genome Aggregation Database (gnomAD). The available evidence is insufficient to determine the role of this variant in disease conclusively. Therefore, this variant is classified as a Variant of Uncertain Significance.

This study involves interpretation of variants in research participants for the purpose of population health screening. Participant phenotype was not available at the time of variant classification. Additional details can be found in publication PMID: 35346344, PMCID: PMC8962531

Color Diagnostics, LLC DBA Color Health
Classification: Uncertain significance for Tuberous sclerosis syndrome. Last evaluated: 2024-03-06. Review status: criteria provided, single submitter. Criteria: ACMG Guidelines, 2015. Collection method: clinical testing. Allele origin: germline.
Comment: This missense variant replaces arginine with glutamine at codon 316 of the TSC1 protein. Computational prediction is inconclusive regarding the impact of this variant on protein structure and function. To our knowledge, functional studies have not been reported for this variant. This variant has not been reported in individuals affected with TSC1-related disorders in the literature. This variant has been identified in 4/251272 chromosomes in the general population by the Genome Aggregation Database (gnomAD). The available evidence is insufficient to determine the role of this variant in disease conclusively. Therefore, this variant is classified as a Variant of Uncertain Significance.

Clinical Genomics Laboratory, Washington University in St. Louis
Classification: Uncertain significance for Tuberous sclerosis 1. Last evaluated: 2023-09-15. Review status: criteria provided, single submitter. Criteria: ACMG Guidelines, 2015. Collection method: clinical testing. Allele origin: germline.
Comment: The TSC1 c.947G>A (p.Arg316Gln) variant was identified at a near-heterozygous allelic fraction. This variant, to our knowledge, has not been reported in the medical literature. This variant has been reported in the ClinVar database as a variant of uncertain significance by two submitters and a likely benign variant by multiple submitters (ClinVar ID: 287541). This variant is absent from the general population (gnomAD v.3.1.2), indicating it is not a common variant. Computational predictors are uncertain as to the impact of this variant on the TSC1 function. Due to limited information and based on ACMG/AMP guidelines for variant interpretation (Richards S et al., PMID: 25741868), the clinical significance of this variant is uncertain at this time.

Ambry Genetics
Classification: Likely benign for Hereditary cancer-predisposing syndrome. Last evaluated: 2022-01-07. Review status: criteria provided, single submitter. Criteria: Ambry Variant Classification Scheme 2023. Collection method: clinical testing. Allele origin: germline.

Genome-Nilou Lab
Classification: Likely benign for Tuberous sclerosis 1. Last evaluated: 2021-11-07. Review status: criteria provided, single submitter. Criteria: ACMG Guidelines, 2015. Collection method: clinical testing. Allele origin: germline. Affected: no.

Institute for Clinical Genetics, University Hospital TU Dresden, University Hospital TU Dresden
Classification: Uncertain significance. Last evaluated: 2021-11-03. Review status: criteria provided, single submitter. Criteria: ACMG Guidelines, 2015. Collection method: clinical testing. Allele origin: germline.

GeneDx
Classification: Likely benign. Last evaluated: 2019-12-13. Review status: criteria provided, single submitter. Criteria: GeneDx Variant Classification Process June 2021. Collection method: clinical testing. Allele origin: germline. Affected: yes.

Eurofins Ntd Llc (ga)
Classification: Uncertain significance. Last evaluated: 2016-05-12. Review status: criteria provided, single submitter. Criteria: EGL Classification Definitions 2015. Collection method: clinical testing. Allele origin: germline. Observed: 1 variant allele, 1 heterozygote.